The following is an entry in ClinVar:

NM_005859.5(PURA):c.50C>A (p.Ser17Ter)

Gene: PURA (purine rich element binding protein A; plus strand). Cytogenetic location: 5q31.3.
Variant type: single nucleotide variant.
Coding change: c.50C>A on transcript NM_005859.5 (MANE Select); coding-DNA position 50, C replaced by A.
Protein change: p.Ser17Ter; replaces serine 17 with a stop codon.
Molecular consequence: nonsense.
Genome position (GRCh38, 1-based): chr5:140,114,231, C>A. VCF-style: chr5-140114231-C-A. GRCh37 (hg19) VCF-style: chr5-139493816-C-A.
Other names: short protein forms S17*.
Identifiers: ClinVar variation 1526088 (VCV001526088.1), dbSNP rs1346561117, ClinGen allele CA361489106.

ClinVar aggregate classification (germline): Likely pathogenic (1 of 4 stars; one submission).

Conditions:
PURA-related severe neonatal hypotonia-seizures-encephalopathy syndrome (NEDRIHF). Also called: PURA-Related Neurodevelopmental Disorders; NEURODEVELOPMENTAL DISORDER WITH NEONATAL RESPIRATORY INSUFFICIENCY, HYPOTONIA, AND FEEDING DIFFICULTIES. Identifiers: Orphanet 438213, Orphanet 438216, MedGen C4015357, MONDO:1060108, OMIM 616158, MONDO:0018580.

Submission:

3billion
Classification: Likely pathogenic for PURA-related severe neonatal hypotonia-seizures-encephalopathy syndrome. Last evaluated: 2022-03-22. Review status: criteria provided, single submitter. Criteria: ACMG Guidelines, 2015. Collection method: clinical testing. Allele origin: germline. Affected: yes. Observed: 1 heterozygote.
Comment: Stop-gained (nonsense): predicted to result in a loss or disruption of normal protein function through protein truncation. Multiple pathogenic variants are reported in the predicted truncated region.. It is not observed in the gnomAD v2.1.1 dataset. Therefore, this variant is classified as likely pathogenic according to the recommendation of ACMG/AMP guideline.